The following is an entry in ClinVar:

NM_000890.5(KCNJ5):c.74T>G (p.Ile25Ser)

Gene: KCNJ5 (potassium inwardly rectifying channel subfamily J member 5; plus strand). Cytogenetic location: 11q24.3.
Variant type: single nucleotide variant.
Coding change: c.74T>G on transcript NM_000890.5 (MANE Select); coding-DNA position 74, T replaced by G.
Protein change: p.Ile25Ser; replaces isoleucine 25 with serine.
Molecular consequence: missense variant.
Genome position (GRCh38, 1-based): chr11:128,911,347, T>G. VCF-style: chr11-128911347-T-G. GRCh37 (hg19) VCF-style: chr11-128781242-T-G.
Other names: c.74T>G, p.Ile25Ser (NM_001354169.2); short protein forms I25S.
Identifiers: ClinVar variation 3372079 (VCV003372079.1).

ClinVar aggregate classification (germline): Uncertain significance (1 of 4 stars; one submission).

Submission:

GeneDx
Classification: Uncertain significance. Last evaluated: 2024-04-07. Review status: criteria provided, single submitter. Criteria: GeneDx Variant Classification Process June 2021. Collection method: clinical testing. Allele origin: germline. Affected: yes.
Comment: Has not been previously published as pathogenic or benign to our knowledge; Not observed at significant frequency in large population cohorts (gnomAD); In silico analysis indicates that this missense variant does not alter protein structure/function